The following is an entry in ClinVar:

ClinVar aggregate classification (germline): Uncertain significance. Review status: criteria provided, multiple submitters, no conflicts (2 of 4 stars). 2 submissions from 2 submitters: Uncertain significance (2). Last evaluated 2025-04-24.

gnomAD v4.1: 70 of 1,614,076 alleles (0.0043%); highest among the groups gnomAD compares: Non-Finnish European, 0.0054%; no homozygotes.

Submissions (2):

Labcorp Genetics (formerly Invitae), Labcorp
Classification: Uncertain significance. Last evaluated: 2025-04-24. Review status: criteria provided, single submitter. Criteria: Invitae Variant Classification Sherloc (09022015). Collection method: clinical testing. Allele origin: germline.
Comment: This sequence change replaces arginine, which is basic and polar, with cysteine, which is neutral and slightly polar, at codon 527 of the CACNA1D protein (p.Arg527Cys). This variant is present in population databases (rs139268281, gnomAD 0.007%). This variant has not been reported in the literature in individuals affected with CACNA1D-related conditions. Invitae Evidence Modeling of protein sequence and biophysical properties (such as structural, functional, and spatial information, amino acid conservation, physicochemical variation, residue mobility, and thermodynamic stability) indicates that this missense variant is not expected to disrupt CACNA1D protein function with a negative predictive value of 80%. In summary, the available evidence is currently insufficient to determine the role of this variant in disease. Therefore, it has been classified as a Variant of Uncertain Significance.

GeneDx
Classification: Uncertain significance. Last evaluated: 2024-10-24. Review status: criteria provided, single submitter. Criteria: GeneDx Variant Classification Process June 2021. Collection method: clinical testing. Allele origin: germline. Affected: yes.
Comment: In silico analysis supports that this missense variant has a deleterious effect on protein structure/function; Has not been previously published as pathogenic or benign to our knowledge

NM_001128840.3(CACNA1D):c.1519C>T (p.Arg507Cys)

Gene: CACNA1D (calcium voltage-gated channel subunit alpha1 D; plus strand). Cytogenetic location: 3p21.1.
Variant type: single nucleotide variant.
Coding change: c.1519C>T on transcript NM_001128840.3 (MANE Select); coding-DNA position 1519, C replaced by T.
Protein change: p.Arg507Cys; replaces arginine 507 with cysteine.
Molecular consequence: missense variant.
Genome position (GRCh38, 1-based): chr3:53,722,327, C>T. VCF-style: chr3-53722327-C-T. GRCh37 (hg19) VCF-style: chr3-53756354-C-T.
Other names: c.1579C>T, p.Arg527Cys (NM_000720.4); c.1519C>T, p.Arg507Cys (NM_001128839.3); short protein forms R507C, R527C.
Identifiers: ClinVar variation 3893443 (VCV003893443.2).